The following is an entry in ClinVar:

ClinVar aggregate classification (germline): Likely benign (1 of 4 stars; one submission).

Submission:

CeGaT Center for Human Genetics Tuebingen
Classification: Likely benign. Last evaluated: 2025-02-01. Review status: criteria provided, single submitter. Criteria: CeGaT Center For Human Genetics Tuebingen Variant Classification Criteria Version 2. Collection method: clinical testing. Allele origin: germline. Affected: yes. Observed: 1 variant allele.
Comment: GHRHR: BS2

NC_000007.14:g.31008679C>T

Genes: ADCYAP1R1 (ADCYAP receptor type I; plus strand), GHRHR (growth hormone releasing hormone receptor; plus strand), LOC105375222 (uncharacterized LOC105375222; plus strand). Cytogenetic location: 7p14.3.
Variant type: single nucleotide variant.
Genome position: GRCh38 VCF-style: chr7-31008679-C-T. GRCh37 (hg19) VCF-style: chr7-31048294-C-T.
Identifiers: ClinVar variation 3772658 (VCV003772658.13).